The following is an entry in ClinVar:

ClinVar aggregate classification (germline): Uncertain significance. Review status: criteria provided, multiple submitters, no conflicts (2 of 4 stars). 3 submissions from 3 submitters: Uncertain significance (3). Last evaluated 2025-05-13.

Conditions:
Hereditary cancer-predisposing syndrome. Also called: Tumor predisposition; Hereditary Cancer Syndrome; Neoplastic Syndromes, Hereditary; Hereditary neoplastic syndrome. Identifiers: Orphanet 140162, MedGen C0027672, MeSH D009386, MONDO:0015356.

Submissions (3):

Labcorp Genetics (formerly Invitae), Labcorp
Classification: Uncertain significance for Hereditary cancer-predisposing syndrome. Last evaluated: 2025-05-13. Review status: criteria provided, single submitter. Criteria: Invitae Variant Classification Sherloc (09022015). Collection method: clinical testing. Allele origin: germline.
Comment: This sequence change replaces methionine, which is neutral and non-polar, with lysine, which is basic and polar, at codon 282 of the RAD50 protein (p.Met282Lys). This variant is not present in population databases (gnomAD no frequency). This variant has not been reported in the literature in individuals affected with RAD50-related conditions. ClinVar contains an entry for this variant (Variation ID: 480407). Invitae Evidence Modeling of protein sequence and biophysical properties (such as structural, functional, and spatial information, amino acid conservation, physicochemical variation, residue mobility, and thermodynamic stability) has been performed for this missense variant. However, the output from this modeling did not meet the statistical confidence thresholds required to predict the impact of this variant on RAD50 protein function. In summary, the available evidence is currently insufficient to determine the role of this variant in disease. Therefore, it has been classified as a Variant of Uncertain Significance.

Blueprint Genetics
Classification: Uncertain significance. Last evaluated: 2024-03-27. Review status: criteria provided, single submitter. Criteria: ACMG Guidelines, 2015. Collection method: clinical testing. Allele origin: germline.

Ambry Genetics
Classification: Uncertain significance for Hereditary cancer-predisposing syndrome. Last evaluated: 2016-01-07. Review status: criteria provided, single submitter. Criteria: Ambry Variant Classification Scheme 2023. Collection method: clinical testing. Allele origin: germline.
Comment: The p.M282K variant (also known as c.845T>A), located in coding exon 6 of the RAD50 gene, results from a T to A substitution at nucleotide position 845. The methionine at codon 282 is replaced by lysine, an amino acid with similar properties. This variant was not reported in population based cohorts in the following databases: Database of Single Nucleotide Polymorphisms (dbSNP), NHLBI Exome Sequencing Project (ESP), and 1000 Genomes Project. In the ESP, this variant was not observed in 6502 samples (13004 alleles) with coverage at this position. To date, this alteration has been detected with an allele frequency of approximately 0.001% (greater than 120000 alleles tested) in our clinical cohort. This amino acid position is highly conserved in available vertebrate species. In addition, the in silico prediction for this alteration is inconclusive. Since supporting evidence is limited at this time, the clinical significance of p.M282K remains unclear.

NM_005732.4(RAD50):c.845T>A (p.Met282Lys)

Gene: RAD50 (RAD50 double strand break repair protein; plus strand). Cytogenetic location: 5q31.1.
Variant type: single nucleotide variant.
Coding change: c.845T>A on transcript NM_005732.4 (MANE Select); coding-DNA position 845, T replaced by A.
Protein change: p.Met282Lys; replaces methionine 282 with lysine.
Molecular consequence: missense variant.
Genome position (GRCh38, 1-based): chr5:132,587,650, T>A. VCF-style: chr5-132587650-T-A. GRCh37 (hg19) VCF-style: chr5-131923342-T-A.
Other names: short protein forms M282K.
Identifiers: ClinVar variation 480407 (VCV000480407.14), dbSNP rs1554098168, ClinGen allele CA360940393.